The following is an entry in ClinVar:

ClinVar aggregate classification (germline): Uncertain significance (1 of 4 stars; one submission).

gnomAD v4.1: 9 of 1,613,576 alleles (0.00056%); highest among the groups gnomAD compares: Admixed American, 0.0033%; no homozygotes.

Submission:

Athena Diagnostics
Classification: Uncertain significance. Last evaluated: 2024-10-31. Review status: criteria provided, single submitter. Criteria: Athena Diagnostics Criteria. Collection method: clinical testing. Allele origin: unknown.
Comment: Available data are insufficient to determine the clinical significance of the variant at this time. The frequency of this variant in the general population is uninformative in assessment of its pathogenicity. Computational tools yielded predictions that this variant may result in the gain of a cryptic splice site without affecting the natural splice sites. Polyphen and MutationTaster yielded discordant predictions regarding whether this amino acid change is damaging to the protein.

NM_198994.3(TGM6):c.754C>T (p.Arg252Cys)

Gene: TGM6 (transglutaminase 6; plus strand). Cytogenetic location: 20p13.
Variant type: single nucleotide variant.
Coding change: c.754C>T on transcript NM_198994.3 (MANE Select); coding-DNA position 754, C replaced by T.
Protein change: p.Arg252Cys; replaces arginine 252 with cysteine.
Molecular consequence: missense variant.
Genome position (GRCh38, 1-based): chr20:2,399,642, C>T. VCF-style: chr20-2399642-C-T. GRCh37 (hg19) VCF-style: chr20-2380288-C-T.
Other names: c.754C>T, p.Arg252Cys (NM_001254734.2); short protein forms R252C.
Identifiers: ClinVar variation 3571972 (VCV003571972.1).